The following is an entry in ClinVar:

ClinVar aggregate classification (germline): Uncertain significance. Review status: criteria provided, multiple submitters, no conflicts (2 of 4 stars). 2 submissions from 2 submitters: Uncertain significance (2). Last evaluated 2022-09-22.

Conditions:
Cardiovascular phenotype. Identifiers: MedGen CN230736.
Long QT syndrome (LQTS). Identifiers: MedGen C0023976, MeSH D008133, MONDO:0002442. Disease mechanism: loss of function. Inheritance: Various modes of inheritance.

Allele frequency attached by ClinVar (database versions not stated): gnomAD exomes 0.00002; ExAC 0.00004.
gnomAD v4.1: 27 of 1,614,060 alleles (0.0017%); highest among the groups gnomAD compares: East Asian, 0.033%; no homozygotes.

Submissions (2):

Labcorp Genetics (formerly Invitae), Labcorp
Classification: Uncertain significance for Long QT syndrome. Last evaluated: 2022-09-22. Review status: criteria provided, single submitter. Criteria: Invitae Variant Classification Sherloc (09022015). Collection method: clinical testing. Allele origin: germline.
Comment: This sequence change replaces proline, which is neutral and non-polar, with leucine, which is neutral and non-polar, at codon 3296 of the ANK2 protein (p.Pro3296Leu). This variant is present in population databases (rs774765910, gnomAD 0.02%). This variant has not been reported in the literature in individuals affected with ANK2-related conditions. Algorithms developed to predict the effect of missense changes on protein structure and function are either unavailable or do not agree on the potential impact of this missense change (SIFT: "Deleterious"; PolyPhen-2: "Probably Damaging"; Align-GVGD: "Class C0"). In summary, the available evidence is currently insufficient to determine the role of this variant in disease. Therefore, it has been classified as a Variant of Uncertain Significance.

Ambry Genetics
Classification: Uncertain significance for Cardiovascular phenotype. Last evaluated: 2021-02-10. Review status: criteria provided, single submitter. Criteria: Ambry Variant Classification Scheme 2023. Collection method: clinical testing. Allele origin: germline.
Comment: The p.P3296L variant (also known as c.9887C>T), located in coding exon 38 of the ANK2 gene, results from a C to T substitution at nucleotide position 9887. The proline at codon 3296 is replaced by leucine, an amino acid with similar properties. This amino acid position is highly conserved in available vertebrate species. In addition, this alteration is predicted to be deleterious by in silico analysis. Since supporting evidence is limited at this time, the clinical significance of this alteration remains unclear.

NM_001148.6(ANK2):c.9887C>T (p.Pro3296Leu)

Gene: ANK2 (ankyrin 2; plus strand). Cytogenetic location: 4q26.
Variant type: single nucleotide variant.
Coding change: c.9887C>T on transcript NM_001148.6 (MANE Select); coding-DNA position 9887, C replaced by T.
Protein change: p.Pro3296Leu; replaces proline 3296 with leucine.
Molecular consequence: missense variant. On other transcripts: intron variant (68).
Genome position (GRCh38, 1-based): chr4:113,358,505, C>T. VCF-style: chr4-113358505-C-T. GRCh37 (hg19) VCF-style: chr4-114279661-C-T.
Other names: c.9653C>T, p.Pro3218Leu (NM_001386142.1); c.6287C>T, p.Pro2096Leu (NM_001386166.1); c.10028C>T, p.Pro3343Leu (NM_001386174.1); c.10004C>T, p.Pro3335Leu (NM_001386175.1); c.4412-2318C>T (NM_001386186.2, NM_001386148.2); c.4214-2318C>T (NM_001354269.3); c.4292-2318C>T (NM_001386187.2); c.4253-2318C>T (NM_001386147.1); and 35 more; short protein forms P3296L, P2096L, P3218L, P3335L, P3343L.
Identifiers: ClinVar variation 1768492 (VCV001768492.7), dbSNP rs774765910, ClinGen allele CA3052000.